The following is an entry in ClinVar:

NM_020435.4(GJC2):c.328C>G (p.Arg110Gly)

Gene: GJC2 (gap junction protein gamma 2; plus strand). Cytogenetic location: 1q42.13.
Variant type: single nucleotide variant.
Coding change: c.328C>G on transcript NM_020435.4 (MANE Select); coding-DNA position 328, C replaced by G.
Protein change: p.Arg110Gly; replaces arginine 110 with glycine.
Molecular consequence: missense variant.
Genome position (GRCh38, 1-based): chr1:228,158,086, C>G. VCF-style: chr1-228158086-C-G. GRCh37 (hg19) VCF-style: chr1-228345787-C-G.
Other names: short protein forms R110G.
Identifiers: ClinVar variation 1437477 (VCV001437477.8), dbSNP rs1203025597, ClinGen allele CA345097414.

ClinVar aggregate classification (germline): Uncertain significance (1 of 4 stars; one submission).

Conditions:
Spastic paraplegia. Identifiers: MedGen C0037772, HP:0001258.

Allele frequency attached by ClinVar (database versions not stated): gnomAD 0.00001.

Submission:

Labcorp Genetics (formerly Invitae), Labcorp
Classification: Uncertain significance for Spastic paraplegia. Last evaluated: 2020-11-28. Review status: criteria provided, single submitter. Criteria: Invitae Variant Classification Sherloc (09022015). Collection method: clinical testing. Allele origin: germline.
Comment: This variant has not been reported in the literature in individuals with GJC2-related conditions. This variant is not present in population databases (ExAC no frequency). This sequence change replaces arginine with glycine at codon 110 of the GJC2 protein (p.Arg110Gly). The arginine residue is moderately conserved and there is a moderate physicochemical difference between arginine and glycine. Algorithms developed to predict the effect of missense changes on protein structure and function are either unavailable or do not agree on the potential impact of this missense change (SIFT: "Deleterious"; PolyPhen-2: "Probably Damaging"; Align-GVGD: "Class C0"). In summary, the available evidence is currently insufficient to determine the role of this variant in disease. Therefore, it has been classified as a Variant of Uncertain Significance.